The following is an entry in ClinVar:

NM_000435.3(NOTCH3):c.1251C>G (p.Cys417Trp)

Gene: NOTCH3 (notch receptor 3; minus strand). Cytogenetic location: 19p13.12.
Variant type: single nucleotide variant.
Coding change: c.1251C>G on transcript NM_000435.3 (MANE Select); coding-DNA position 1251, C replaced by G.
Protein change: p.Cys417Trp; replaces cysteine 417 with tryptophan.
Molecular consequence: missense variant.
Genome position (GRCh38, 1-based): chr19:15,189,116, G>C on the plus strand (C>G on the coding strand, the complement: NOTCH3 is on the minus strand). VCF-style: chr19-15189116-G-C. GRCh37 (hg19) VCF-style: chr19-15299927-G-C.
Other names: c.1251C>G (NM_000435.2); short protein forms C417W.
Identifiers: ClinVar variation 3907087 (VCV003907087.2).

ClinVar aggregate classification (germline): Conflicting classifications of pathogenicity. Review status: criteria provided, conflicting classifications (1 of 4 stars). 2 submissions from 2 submitters: Likely pathogenic (1); Uncertain significance (1). Last evaluated 2025-10-28.

Conditions:
Inborn genetic diseases. Identifiers: MedGen C0950123, MeSH D030342.

Submissions (2):

Ambry Genetics
Classification: Likely pathogenic for Inborn genetic diseases. Last evaluated: 2025-10-28. Review status: criteria provided, single submitter. Criteria: Ambry Variant Classification Scheme 2023. Collection method: clinical testing. Allele origin: germline.
Comment: The c.1251C>G (p.C417W) alteration is located in exon 8 (coding exon 8) of the NOTCH3 gene. This alteration results from a C to G substitution at nucleotide position 1251, causing the cysteine (C) at amino acid position 417 to be replaced by a tryptophan (W). for CADASIL; however, its clinical significance for NOTCH3-related lateral meningocele syndrome is uncertain. This variant was not reported in population-based cohorts in the Genome Aggregation Database (gnomAD). This amino acid position is highly conserved in available vertebrate species. This alteration is predicted to be deleterious by in silico analysis. Based on the available evidence, this alteration is classified as likely pathogenic.

Women's Health and Genetics/Laboratory Corporation of America, LabCorp
Classification: Uncertain significance. Last evaluated: 2025-06-16. Review status: criteria provided, single submitter. Criteria: LabCorp Variant Classification Summary - May 2015. Collection method: clinical testing. Allele origin: germline.
Comment: Variant summary: NOTCH3 c.1251C>G (p.Cys417Trp) results in a non-conservative amino acid change in the encoded protein sequence. Algorithms developed to predict the effect of missense changes on protein structure and function all suggest that this variant is likely to be disruptive. The variant was absent in 250672 control chromosomes. The available data on variant occurrences in the general population are insufficient to allow any conclusion about variant significance. To our knowledge, no occurrence of c.1251C>G in individuals affected with Cerebral arteriopathy, autosomal dominant, with subcortical infarcts and leukoencephalopathy, type 1 and no experimental evidence demonstrating its impact on protein function have been reported. No submitters have cited clinical-significance assessments for this variant to ClinVar. Based on the evidence outlined above, the variant was classified as uncertain significance.